The following is an entry in ClinVar:

NM_005219.5(DIAPH1):c.41C>T (p.Thr14Ile)

Gene: DIAPH1 (diaphanous related formin 1; minus strand). Cytogenetic location: 5q31.3.
Variant type: single nucleotide variant.
Coding change: c.41C>T on transcript NM_005219.5 (MANE Select); coding-DNA position 41, C replaced by T.
Protein change: p.Thr14Ile; replaces threonine 14 with isoleucine.
Molecular consequence: missense variant.
Genome position (GRCh38, 1-based): chr5:141,618,874, G>A on the plus strand (C>T on the coding strand, the complement: DIAPH1 is on the minus strand). VCF-style: chr5-141618874-G-A. GRCh37 (hg19) VCF-style: chr5-140998441-G-A.
Other names: c.41C>T, p.Thr14Ile (NM_001079812.3, NM_001314007.2); short protein forms T14I.
Identifiers: ClinVar variation 2303026 (VCV002303026.6), dbSNP rs2099903141, ClinGen allele CA361508788.

ClinVar aggregate classification (germline): Uncertain significance. Review status: criteria provided, multiple submitters, no conflicts (2 of 4 stars). 3 submissions from 3 submitters: Uncertain significance (3). Last evaluated 2025-08-05.

Conditions:
Autosomal dominant nonsyndromic hearing loss 1. Also called: KONIGSMARK SYNDROME; DEAFNESS, AUTOSOMAL DOMINANT 1, WITH OR WITHOUT THROMBOCYTOPENIA. Identifiers: Orphanet 90635, MedGen C1852282, MONDO:0007424, OMIM 124900.
Progressive microcephaly-seizures-cortical blindness-developmental delay syndrome. Also called: Seizures, cortical blindness, and microcephaly syndrome. Identifiers: Orphanet 477814, MedGen C5567650, MONDO:0014714, OMIM 616632.
Inborn genetic diseases. Identifiers: MedGen C0950123, MeSH D030342.

Allele frequency attached by ClinVar (database versions not stated): TOPMed 0.00001; gnomAD 0.00001.
gnomAD v4.1: 6 of 1,522,620 alleles (0.00039%); highest among the groups gnomAD compares: Admixed American, 0.0083%; no homozygotes.

Submissions (3):

Dasa
Classification: Uncertain significance. Last evaluated: 2025-08-05. Review status: criteria provided, single submitter. Criteria: DASA Assertion Criteria. Collection method: clinical testing. Allele origin: germline.
Comment: NM_005219.5(DIAPH1):c.41C>T (p.Thr14Ile) is a missense variant that results in the substitution of threonine with isoleucine. This variant is rare in population databases. The currently available literature and clinical evidence are not sufficient to establish a definitive association between this variant and the reported condition. Therefore, this variant is classified as a variant of uncertain significance.

Labcorp Genetics (formerly Invitae), Labcorp
Classification: Uncertain significance for Progressive microcephaly-seizures-cortical blindness-developmental delay syndrome; Autosomal dominant nonsyndromic hearing loss 1. Last evaluated: 2024-04-24. Review status: criteria provided, single submitter. Criteria: Invitae Variant Classification Sherloc (09022015). Collection method: clinical testing. Allele origin: germline.
Comment: This sequence change replaces threonine, which is neutral and polar, with isoleucine, which is neutral and non-polar, at codon 14 of the DIAPH1 protein (p.Thr14Ile). This variant is not present in population databases (gnomAD no frequency). This variant has not been reported in the literature in individuals affected with DIAPH1-related conditions. ClinVar contains an entry for this variant (Variation ID: 2303026). Experimental studies and prediction algorithms are not available or were not evaluated, and the functional significance of this variant is currently unknown. In summary, the available evidence is currently insufficient to determine the role of this variant in disease. Therefore, it has been classified as a Variant of Uncertain Significance.

Ambry Genetics
Classification: Uncertain significance for Inborn genetic diseases. Last evaluated: 2022-07-22. Review status: criteria provided, single submitter. Criteria: Ambry Variant Classification Scheme 2023. Collection method: clinical testing. Allele origin: germline.